The following is an entry in ClinVar:

ClinVar aggregate classification (germline): Uncertain significance (1 of 4 stars; one submission).

Submission:

GeneDx
Classification: Uncertain significance. Last evaluated: 2022-07-07. Review status: criteria provided, single submitter. Criteria: GeneDx Variant Classification Process June 2021. Collection method: clinical testing. Allele origin: germline. Affected: yes.
Comment: Not observed at significant frequency in large population cohorts (gnomAD); In silico analysis supports that this missense variant has a deleterious effect on protein structure/function; Has not been previously published as pathogenic or benign to our knowledge

NM_001206999.2(CIT):c.3340A>G (p.Lys1114Glu)

Gene: CIT (citron rho-interacting serine/threonine kinase; minus strand). Cytogenetic location: 12q24.23.
Variant type: single nucleotide variant.
Coding change: c.3340A>G on transcript NM_001206999.2 (MANE Select); coding-DNA position 3340, A replaced by G.
Protein change: p.Lys1114Glu; replaces lysine 1114 with glutamic acid.
Molecular consequence: missense variant.
Genome position (GRCh38, 1-based): chr12:119,734,174, T>C on the plus strand (A>G on the coding strand, the complement: CIT is on the minus strand). VCF-style: chr12-119734174-T-C. GRCh37 (hg19) VCF-style: chr12-120171979-T-C.
Other names: c.3214A>G, p.Lys1072Glu (NM_007174.3); short protein forms K1072E, K1114E.
Identifiers: ClinVar variation 1810636 (VCV001810636.1), dbSNP rs2501534618, ClinGen allele CA386549821.